The following is an entry in ClinVar:

ClinVar aggregate classification (germline): Uncertain significance (1 of 4 stars; one submission).

Conditions:
Hereditary cancer-predisposing syndrome. Also called: Neoplastic Syndromes, Hereditary; Tumor predisposition; Hereditary Cancer Syndrome; Hereditary neoplastic syndrome. Identifiers: Orphanet 140162, MedGen C0027672, MeSH D009386, MONDO:0015356.

Submission:

Color Diagnostics, LLC DBA Color Health
Classification: Uncertain significance for Hereditary cancer-predisposing syndrome. Last evaluated: 2019-10-31. Review status: criteria provided, single submitter. Criteria: ACMG Guidelines, 2015. Collection method: clinical testing. Allele origin: germline.
Comment: This missense variant replaces proline with alanine at codon 2245 of the APC protein. Computational prediction tool is inconclusive regarding the impact of this variant on protein structure and function (internally defined REVEL score threshold 0.5 < inconclusive < 0.7, PMID: 27666373). Splice site prediction tools suggest that this variant may not impact RNA splicing. To our knowledge, functional studies have not been performed for this variant. This variant has not been reported in individuals affected with hereditary cancer in the literature. This variant has not been identified in the general population by the Genome Aggregation Database (gnomAD). The available evidence is insufficient to determine the role of this variant in disease conclusively. Therefore, this variant is classified as a Variant of Uncertain Significance.

NM_000038.6(APC):c.6733C>G (p.Pro2245Ala)

Gene: APC (APC regulator of Wnt signaling pathway; plus strand). Cytogenetic location: 5q22.2.
Variant type: single nucleotide variant.
Coding change: c.6733C>G on transcript NM_000038.6 (MANE Select); coding-DNA position 6733, C replaced by G.
Protein change: p.Pro2245Ala; replaces proline 2245 with alanine.
Molecular consequence: missense variant.
Genome position (GRCh38, 1-based): chr5:112,842,327, C>G. VCF-style: chr5-112842327-C-G. GRCh37 (hg19) VCF-style: chr5-112178024-C-G.
Other names: c.6733C>G, p.Pro2245Ala (NM_001127510.3, NM_001354895.2); c.6679C>G, p.Pro2227Ala (NM_001127511.3); c.6787C>G, p.Pro2263Ala (NM_001354896.2); c.6763C>G, p.Pro2255Ala (NM_001354897.2); c.6658C>G, p.Pro2220Ala (NM_001354898.2); c.6649C>G, p.Pro2217Ala (NM_001354899.2); c.6610C>G, p.Pro2204Ala (NM_001354900.2); c.6556C>G, p.Pro2186Ala (NM_001354901.2); and 5 more; short protein forms P2245A, P1962A, P2085A, P2154A, P2186A, P2227A, P2119A, P2144A.
Identifiers: ClinVar variation 923744 (VCV000923744.3), dbSNP rs1766286888, ClinGen allele CA16036046.